The following is an entry in ClinVar:

NM_006231.4(POLE):c.3016G>A (p.Val1006Ile)

Gene: POLE (DNA polymerase epsilon, catalytic subunit; minus strand). Cytogenetic location: 12q24.33.
Variant type: single nucleotide variant.
Coding change: c.3016G>A on transcript NM_006231.4 (MANE Select); coding-DNA position 3016, G replaced by A.
Protein change: p.Val1006Ile; replaces valine 1006 with isoleucine.
Molecular consequence: missense variant.
Genome position (GRCh38, 1-based): chr12:132,661,013, C>T on the plus strand (G>A on the coding strand, the complement: POLE is on the minus strand). VCF-style: chr12-132661013-C-T. GRCh37 (hg19) VCF-style: chr12-133237599-C-T.
Other names: c.3016G>A (NM_006231.2); short protein forms V1006I.
Identifiers: ClinVar variation 3694501 (VCV003694501.3).

ClinVar aggregate classification (germline): Uncertain significance. Review status: criteria provided, multiple submitters, no conflicts (2 of 4 stars). 2 submissions from 2 submitters: Uncertain significance (2). Last evaluated 2025-02-02.

Conditions:
Hereditary cancer-predisposing syndrome. Also called: Tumor predisposition; Neoplastic Syndromes, Hereditary; Hereditary Cancer Syndrome; Hereditary neoplastic syndrome. Identifiers: Orphanet 140162, MedGen C0027672, MeSH D009386, MONDO:0015356.

Submissions (2):

Ambry Genetics
Classification: Uncertain significance for Hereditary cancer-predisposing syndrome. Last evaluated: 2025-02-02. Review status: criteria provided, single submitter. Criteria: Ambry Variant Classification Scheme 2023. Collection method: clinical testing. Allele origin: germline.
Comment: The p.V1006I variant (also known as c.3016G>A), located in coding exon 25 of the POLE gene, results from a G to A substitution at nucleotide position 3016. The valine at codon 1006 is replaced by isoleucine, an amino acid with highly similar properties. This amino acid position is conserved. In addition, this alteration is predicted to be tolerated by in silico analysis. Based on the available evidence, the clinical significance of this variant remains unclear.

Labcorp Genetics (formerly Invitae), Labcorp
Classification: Uncertain significance. Last evaluated: 2024-11-20. Review status: criteria provided, single submitter. Criteria: Invitae Variant Classification Sherloc (09022015). Collection method: clinical testing. Allele origin: germline.
Comment: This sequence change replaces valine, which is neutral and non-polar, with isoleucine, which is neutral and non-polar, at codon 1006 of the POLE protein (p.Val1006Ile). This variant is not present in population databases (gnomAD no frequency). This variant has not been reported in the literature in individuals affected with POLE-related conditions. Invitae Evidence Modeling of protein sequence and biophysical properties (such as structural, functional, and spatial information, amino acid conservation, physicochemical variation, residue mobility, and thermodynamic stability) indicates that this missense variant is not expected to disrupt POLE protein function with a negative predictive value of 80%. In summary, the available evidence is currently insufficient to determine the role of this variant in disease. Therefore, it has been classified as a Variant of Uncertain Significance.